The following is an entry in ClinVar:

NM_052947.4(ALPK2):c.415C>G (p.Gln139Glu)

Gene: ALPK2 (alpha kinase 2; minus strand). Cytogenetic location: 18q21.31.
Variant type: single nucleotide variant.
Coding change: c.415C>G on transcript NM_052947.4 (MANE Select); coding-DNA position 415, C replaced by G.
Protein change: p.Gln139Glu; replaces glutamine 139 with glutamic acid.
Molecular consequence: missense variant.
Genome position (GRCh38, 1-based): chr18:58,580,361, G>C on the plus strand (C>G on the coding strand, the complement: ALPK2 is on the minus strand). VCF-style: chr18-58580361-G-C. GRCh37 (hg19) VCF-style: chr18-56247593-G-C.
Other names: short protein forms Q139E.
Identifiers: ClinVar variation 2449273 (VCV002449273.2), dbSNP rs2518900276, ClinGen allele CA402568026.
Genomic context (GRCh38, chr18:58,580,361, plus strand): 5'-TGGGAGTGCCCGGGGAGATGCTTTCTTCTTCCTTATAAGGATGTTCCTTCTCATCAATCT[G>C]ATTTGCCCTTTCTTCTTCATGTGTCCCTGTTTCATGTTTCCAACCCCTGTCCCTGTCATC-3'
Protein context (NP_443179.3, residues 129-149): TGTHEEERAN[Gln139Glu]IDEKEHPYKE

ClinVar aggregate classification (germline): Uncertain significance (1 of 4 stars; one submission).

Submission:

Ambry Genetics
Classification: Uncertain significance. Last evaluated: 2023-01-31. Review status: criteria provided, single submitter. Criteria: Ambry Variant Classification Scheme 2023. Collection method: clinical testing. Allele origin: germline.
Comment: The p.Q139E variant (also known as c.415C>G), located in coding exon 3 of the ALPK2 gene, results from a C to G substitution at nucleotide position 415. The glutamine at codon 139 is replaced by glutamic acid, an amino acid with highly similar properties. This amino acid position is conserved. In addition, this alteration is predicted to be tolerated by in silico analysis. Since supporting evidence is limited at this time, the clinical significance of this alteration remains unclear.